The following is an entry in ClinVar:

ClinVar aggregate classification (germline): Uncertain significance. Review status: criteria provided, multiple submitters, no conflicts (2 of 4 stars). 4 submissions from 4 submitters: Uncertain significance (4). Last evaluated 2026-06-12.

Conditions:
Gorlin syndrome. Also called: Nevoid Basal Cell Carcinoma Syndrome; Basal cell nevus syndrome. Identifiers: Orphanet 377, MedGen C0004779, MONDO:0007187.
Hereditary cancer-predisposing syndrome. Also called: Hereditary Cancer Syndrome; Neoplastic Syndromes, Hereditary; Tumor predisposition; Hereditary neoplastic syndrome. Identifiers: Orphanet 140162, MedGen C0027672, MeSH D009386, MONDO:0015356.

Allele frequency attached by ClinVar (database versions not stated): gnomAD exomes below 0.00001; TOPMed 0.00001.
gnomAD v4.1: 1 of 1,614,120 alleles (0.000062%); highest among the groups gnomAD compares: Non-Finnish European, 0.000085%; no homozygotes.

Submissions (4):

Women's Health and Genetics/Laboratory Corporation of America, LabCorp
Classification: Uncertain significance. Last evaluated: 2026-06-12. Review status: criteria provided, single submitter. Criteria: LabCorp Variant Classification Summary - May 2015. Collection method: clinical testing. Allele origin: germline.
Comment: Variant summary: PTCH1 c.3444T>G (p.Ile1148Met) results in a conservative amino acid change in the encoded protein sequence. Algorithms developed to predict the effect of missense changes on protein structure and function are either unavailable or do not agree on the potential impact of this missense change. The variant was absent in 251274 control chromosomes. The available data on variant occurrences in the general population are insufficient to allow any conclusion about variant significance. To our knowledge, no occurrence of c.3444T>G in individuals affected with PTCH1-related conditions and no experimental evidence demonstrating its impact on protein function have been reported. ClinVar contains an entry for this variant (Variation ID: 1448301). Based on the evidence outlined above, the variant was classified as uncertain significance.

Labcorp Genetics (formerly Invitae), Labcorp
Classification: Uncertain significance for Gorlin syndrome. Last evaluated: 2025-10-30. Review status: criteria provided, single submitter. Criteria: Invitae Variant Classification Sherloc (09022015). Collection method: clinical testing. Allele origin: germline.
Comment: This sequence change replaces isoleucine, which is neutral and non-polar, with methionine, which is neutral and non-polar, at codon 1148 of the PTCH1 protein (p.Ile1148Met). This variant is not present in population databases (gnomAD no frequency). This variant has not been reported in the literature in individuals affected with PTCH1-related conditions. ClinVar contains an entry for this variant (Variation ID: 1448301). Invitae Evidence Modeling of protein sequence and biophysical properties (such as structural, functional, and spatial information, amino acid conservation, physicochemical variation, residue mobility, and thermodynamic stability) has been performed for this missense variant. However, the output from this modeling did not meet the statistical confidence thresholds required to predict the impact of this variant on PTCH1 protein function. In summary, the available evidence is currently insufficient to determine the role of this variant in disease. Therefore, it has been classified as a Variant of Uncertain Significance.

GeneDx
Classification: Uncertain significance. Last evaluated: 2024-06-10. Review status: criteria provided, single submitter. Criteria: GeneDx Variant Classification Process June 2021. Collection method: clinical testing. Allele origin: germline. Affected: yes.
Comment: Not observed at significant frequency in large population cohorts (gnomAD); In silico analysis indicates that this missense variant does not alter protein structure/function; Has not been previously published as pathogenic or benign to our knowledge

Ambry Genetics
Classification: Uncertain significance for Hereditary cancer-predisposing syndrome. Last evaluated: 2024-03-12. Review status: criteria provided, single submitter. Criteria: Ambry Variant Classification Scheme 2023. Collection method: clinical testing. Allele origin: germline.
Comment: The p.I1148M variant (also known as c.3444T>G), located in coding exon 20 of the PTCH1 gene, results from a T to G substitution at nucleotide position 3444. The isoleucine at codon 1148 is replaced by methionine, an amino acid with highly similar properties. This amino acid position is highly conserved in available vertebrate species. In addition, this alteration is predicted to be deleterious by in silico analysis. Since supporting evidence is limited at this time, the clinical significance of this alteration remains unclear.

NM_000264.5(PTCH1):c.3444T>G (p.Ile1148Met)

Gene: PTCH1 (patched 1; minus strand). Cytogenetic location: 9q22.32.
Variant type: single nucleotide variant.
Coding change: c.3444T>G on transcript NM_000264.5 (MANE Select); coding-DNA position 3444, T replaced by G.
Protein change: p.Ile1148Met; replaces isoleucine 1148 with methionine.
Molecular consequence: missense variant. On other transcripts: non-coding transcript variant (1).
Genome position (GRCh38, 1-based): chr9:95,453,483, A>C on the plus strand (T>G on the coding strand, the complement: PTCH1 is on the minus strand). VCF-style: chr9-95453483-A-C. GRCh37 (hg19) VCF-style: chr9-98215765-A-C.
Other names: c.3246T>G, p.Ile1082Met (NM_001083602.3); c.3441T>G, p.Ile1147Met (NM_001083603.3); c.2991T>G, p.Ile997Met (NM_001083604.3, NM_001083605.3, NM_001083606.3 and 1 more transcripts); c.3288T>G, p.Ile1096Met (NM_001354918.2); short protein forms I1082M, I1096M, I997M, I1148M, I1147M.
Identifiers: ClinVar variation 1448301 (VCV001448301.8), dbSNP rs1439411173, ClinGen allele CA374111656.